The following is an entry in ClinVar:

NM_053025.4(MYLK):c.4415+6T>C

Gene: MYLK (myosin light chain kinase; minus strand). Cytogenetic location: 3q21.1.
Variant type: single nucleotide variant.
Coding change: c.4415+6T>C on transcript NM_053025.4 (MANE Select); 6 bases into the intron after coding-DNA position 4415, T replaced by C.
Molecular consequence: intron variant.
Genome position (GRCh38, 1-based): chr3:123,648,965, A>G on the plus strand (T>C on the coding strand, the complement: MYLK is on the minus strand). VCF-style: chr3-123648965-A-G. GRCh37 (hg19) VCF-style: chr3-123367812-A-G.
Other names: c.3887+6T>C (NM_001321309.2); c.4208+6T>C (NM_053028.4, NM_053026.4); c.4415+6T>C (NM_053027.4).
Identifiers: ClinVar variation 4279044 (VCV004279044.1).

ClinVar aggregate classification (germline): Uncertain significance (1 of 4 stars; one submission).

Conditions:
Aortic aneurysm, familial thoracic 7 (AAT7). Also called: AORTIC DISSECTION, FAMILIAL, WITH OR WITHOUT AORTIC ANEURYSM. Identifiers: MedGen C3151077, MONDO:0013418, OMIM 613780.

Submission:

Institute of Immunology and Genetics Kaiserslautern
Classification: Uncertain significance for Aortic aneurysm, familial thoracic 7. Last evaluated: 2025-08-15. Review status: criteria provided, single submitter. Criteria: ACMG Guidelines, 2015. Collection method: clinical testing. Allele origin: paternal. Affected: yes.
Comment: ACMG Criteria: PM2_P, PP3; Variant was found in heterozygous state.